The following is an entry in ClinVar:

NM_001130144.3(LTBP3):c.3628+2T>C

Gene: LTBP3 (latent transforming growth factor beta binding protein 3; minus strand). Cytogenetic location: 11q13.1.
Variant type: single nucleotide variant.
Coding change: c.3628+2T>C on transcript NM_001130144.3 (MANE Select); the canonical splice donor site of the intron after coding-DNA position 3628, T replaced by C.
Molecular consequence: splice donor variant.
Genome position (GRCh38, 1-based): chr11:65,539,546, A>G on the plus strand (T>C on the coding strand, the complement: LTBP3 is on the minus strand). VCF-style: chr11-65539546-A-G. GRCh37 (hg19) VCF-style: chr11-65307017-A-G.
Other names: c.3136+2T>C (NM_001164266.1); c.3487+2T>C (NM_021070.4).
Identifiers: ClinVar variation 1488229 (VCV001488229.6), dbSNP rs757974017, ClinGen allele CA6100225.

ClinVar aggregate classification (germline): Likely pathogenic (1 of 4 stars; one submission).

Conditions:
Brachyolmia-amelogenesis imperfecta syndrome. Also called: Dental anomalies and short stature; PLATYSPONDYLY WITH AMELOGENESIS IMPERFECTA; Tooth agenesis, selective, 6. Identifiers: Orphanet 2899, MedGen C1832594, MONDO:0011018, OMIM 601216. Disease mechanism: loss of function.

Allele frequency attached by ClinVar (database versions not stated): gnomAD exomes below 0.00001; TOPMed below 0.00001; ExAC 0.00001.

Submission:

Labcorp Genetics (formerly Invitae), Labcorp
Classification: Likely pathogenic for Brachyolmia-amelogenesis imperfecta syndrome. Last evaluated: 2021-07-03. Review status: criteria provided, single submitter. Criteria: Invitae Variant Classification Sherloc (09022015). Collection method: clinical testing. Allele origin: germline.
Comment: This sequence change affects a donor splice site in intron 26 of the LTBP3 gene. It is expected to disrupt RNA splicing. Variants that disrupt the donor or acceptor splice site typically lead to a loss of protein function (PMID: 16199547), and loss-of-function variants in LTBP3 are known to be pathogenic (PMID: 11790802, 19344874, 25669657). This variant is present in population databases (rs757974017, ExAC 0.002%). This variant has not been reported in the literature in individuals affected with LTBP3-related conditions. Algorithms developed to predict the effect of sequence changes on RNA splicing suggest that this variant may disrupt the consensus splice site. In summary, the currently available evidence indicates that the variant is pathogenic, but additional data are needed to prove that conclusively. Therefore, this variant has been classified as Likely Pathogenic.

Literature cited by the submitters: PubMed 16199547; PubMed 11790802; PubMed 19344874; PubMed 25669657.